The following is an entry in ClinVar:

NM_000038.6(APC):c.7001A>G (p.Asn2334Ser)

Gene: APC (APC regulator of Wnt signaling pathway; plus strand). Cytogenetic location: 5q22.2.
Variant type: single nucleotide variant.
Coding change: c.7001A>G on transcript NM_000038.6 (MANE Select); coding-DNA position 7001, A replaced by G.
Protein change: p.Asn2334Ser; replaces asparagine 2334 with serine.
Molecular consequence: missense variant.
Genome position (GRCh38, 1-based): chr5:112,842,595, A>G. VCF-style: chr5-112842595-A-G. GRCh37 (hg19) VCF-style: chr5-112178292-A-G.
Other names: c.7001A>G, p.Asn2334Ser (NM_001127510.3, NM_001354895.2); c.6947A>G, p.Asn2316Ser (NM_001127511.3); c.7055A>G, p.Asn2352Ser (NM_001354896.2); c.7031A>G, p.Asn2344Ser (NM_001354897.2); c.6926A>G, p.Asn2309Ser (NM_001354898.2); c.6917A>G, p.Asn2306Ser (NM_001354899.2); c.6878A>G, p.Asn2293Ser (NM_001354900.2); c.6824A>G, p.Asn2275Ser (NM_001354901.2); and 5 more; short protein forms N2316S, N2334S, N2051S, N2174S, N2344S, N2208S, N2293S, N2309S.
Identifiers: ClinVar variation 470072 (VCV000470072.19), dbSNP rs1166730302, ClinGen allele CA16036593.

ClinVar aggregate classification (germline): Uncertain significance. Review status: criteria provided, multiple submitters, no conflicts (2 of 4 stars). 2 submissions from 2 submitters: Uncertain significance (2). Last evaluated 2025-10-27.

Conditions:
Familial adenomatous polyposis 1 (FAP1). Also called: POLYPOSIS, ADENOMATOUS INTESTINAL; FAMILIAL ADENOMATOUS POLYPOSIS 1, ATTENUATED. Identifiers: MedGen C2713442, MONDO:0021056, OMIM 175100. Disease mechanism: loss of function.
Hereditary cancer-predisposing syndrome. Also called: Hereditary neoplastic syndrome; Neoplastic Syndromes, Hereditary; Tumor predisposition; Hereditary Cancer Syndrome. Identifiers: Orphanet 140162, MedGen C0027672, MeSH D009386, MONDO:0015356.

gnomAD v4.1: 1 of 1,613,834 alleles (0.000062%); no homozygotes.

Submissions (2):

Labcorp Genetics (formerly Invitae), Labcorp
Classification: Uncertain significance for Familial adenomatous polyposis 1. Last evaluated: 2025-10-27. Review status: criteria provided, single submitter. Criteria: Invitae Variant Classification Sherloc (09022015). Collection method: clinical testing. Allele origin: germline.
Comment: This sequence change replaces asparagine, which is neutral and polar, with serine, which is neutral and polar, at codon 2334 of the APC protein (p.Asn2334Ser). This variant is not present in population databases (gnomAD no frequency). This variant has not been reported in the literature in individuals affected with APC-related conditions. ClinVar contains an entry for this variant (Variation ID: 470072). Invitae Evidence Modeling of protein sequence and biophysical properties (such as structural, functional, and spatial information, amino acid conservation, physicochemical variation, residue mobility, and thermodynamic stability) indicates that this missense variant is not expected to disrupt APC protein function with a negative predictive value of 95%. In summary, the available evidence is currently insufficient to determine the role of this variant in disease. Therefore, it has been classified as a Variant of Uncertain Significance.

Ambry Genetics
Classification: Uncertain significance for Hereditary cancer-predisposing syndrome. Last evaluated: 2025-01-08. Review status: criteria provided, single submitter. Criteria: Ambry Variant Classification Scheme 2023. Collection method: clinical testing. Allele origin: germline.
Comment: The p.N2334S variant (also known as c.7001A>G), located in coding exon 15 of the APC gene, results from an A to G substitution at nucleotide position 7001. The asparagine at codon 2334 is replaced by serine, an amino acid with highly similar properties. This amino acid position is highly conserved in available vertebrate species. In addition, in silico predictors for this gene do not accurately predict pathogenicity. Based on the available evidence, the clinical significance of this variant remains unclear.